The following is an entry in ClinVar:

ClinVar aggregate classification (germline): Uncertain significance (1 of 4 stars; one submission).

Conditions:
MELAS syndrome (MELAS). Also called: Juvenile myopathy, encephalopathy, lactic acidosis, stroke. Identifiers: Orphanet 550, MedGen C0162671, MONDO:0010789, OMIM 540000.

Submission:

Wong Mito Lab, Molecular and Human Genetics, Baylor College of Medicine
Classification: Uncertain significance for MELAS syndrome. Last evaluated: 2019-07-12. Review status: criteria provided, single submitter. Criteria: Modified ACMG Guidelines (Unpublished). Collection method: clinical testing. Allele origin: germline.
Comment: The NC_012920.1:m.16021C>T variant in MT-TP gene is interpreted to be a Unknown Significance variant based on the modified ACMG guidelines (unpublished). This variant meets the following evidence codes reported in the guidelines: BP4, PP6, PP7

Literature cited by the submitters: PubMed 31965079.

NC_012920.1(MT-TP):m.16021C>T

Gene: MT-TP (mitochondrially encoded tRNA proline; minus strand).
Variant type: single nucleotide variant.
Genome position: chrM-16021-C-T.
Identifiers: ClinVar variation 690277 (VCV000690277.1), dbSNP rs1603225641, ClinGen allele CA913175479.